The following is an entry in ClinVar:

ClinVar aggregate classification (germline): Uncertain significance (1 of 4 stars; one submission).

Submission:

Dasa
Classification: Uncertain significance. Last evaluated: 2026-04-14. Review status: criteria provided, single submitter. Criteria: DASA Assertion Criteria. Collection method: clinical testing. Allele origin: germline.
Comment: NM_001039469.3(MARK2):c.2021G>T (p.Gly674Val) is a missense variant that results in the substitution of glycine with valine. This variant is rare in population databases. Computational prediction algorithms are consistent with a benign effect. The currently available literature and clinical evidence are not sufficient to establish a definitive association between this variant and the reported condition. Therefore, this variant is classified as a variant of uncertain significance.

NM_001039469.3(MARK2):c.2021G>T (p.Gly674Val)

Gene: MARK2 (microtubule affinity regulating kinase 2; plus strand). Cytogenetic location: 11q13.1.
Variant type: single nucleotide variant.
Coding change: c.2021G>T on transcript NM_001039469.3 (MANE Select); coding-DNA position 2021, G replaced by T.
Protein change: p.Gly674Val; replaces glycine 674 with valine.
Molecular consequence: missense variant.
Genome position (GRCh38, 1-based): chr11:63,908,891, G>T. VCF-style: chr11-63908891-G-T. GRCh37 (hg19) VCF-style: chr11-63676363-G-T.
Other names: c.1814G>T, p.Gly605Val (NM_001163296.2); c.1784G>T, p.Gly595Val (NM_001163297.2); c.1829G>T, p.Gly610Val (NM_004954.5); c.1892G>T, p.Gly631Val (NM_017490.4); short protein forms G595V, G605V, G610V, G631V, G674V.
Identifiers: ClinVar variation 4882623 (VCV004882623.2).